The following is an entry in ClinVar:

NM_000069.3(CACNA1S):c.3018_3021del (p.Leu1007fs)

Gene: CACNA1S (calcium voltage-gated channel subunit alpha1 S; minus strand). Cytogenetic location: 1q32.1.
Variant type: Deletion.
Coding change: c.3018_3021del on transcript NM_000069.3 (MANE Select); coding-DNA positions 3018 to 3021, 4 bases deleted (CCTC; older notation c.3018_3021delCCTC).
Protein change: p.Leu1007fs; shifts the reading frame from leucine 1007.
Molecular consequence: frameshift variant.
Genome position (GRCh38, 1-based): chr1:201,061,976-201,061,979, GAGG deleted on the plus strand (CCTC on the coding strand, the reverse complement: CACNA1S is on the minus strand); deleting any 4 consecutive bases within chr1:201,061,976-201,061,981 gives the same sequence; the c. name uses the placement nearest the transcript's 3' end. VCF-style (leftmost placement, unchanged base first): chr1-201061975-AGAGG-A. GRCh37 (hg19) VCF-style: chr1-201031103-AGAGG-A.
Other names: short protein forms L1007fs.
Identifiers: ClinVar variation 2927398 (VCV002927398.3), dbSNP rs2464500986, ClinGen allele CA2740090474.

ClinVar aggregate classification (germline): Pathogenic (1 of 4 stars; one submission).

Conditions:
Malignant hyperthermia, susceptibility to, 5 (MHS5). Also called: CACNA1S-Related Malignant Hyperthermia Susceptibility. Identifiers: Orphanet 423, MedGen C1866077, MONDO:0011163, OMIM 601887.
Hypokalemic periodic paralysis, type 1. Also called: Hypokalemic Periodic Paralysis Type 1 (AD); HypoPP. Identifiers: Orphanet 681, MedGen C3714580, MONDO:0042979, OMIM 170400.

Submission:

Labcorp Genetics (formerly Invitae), Labcorp
Classification: Pathogenic for Hypokalemic periodic paralysis, type 1; Malignant hyperthermia, susceptibility to, 5. Last evaluated: 2023-11-14. Review status: criteria provided, single submitter. Criteria: Invitae Variant Classification Sherloc (09022015). Collection method: clinical testing. Allele origin: germline.
Comment: This sequence change creates a premature translational stop signal (p.Leu1007Serfs*17) in the CACNA1S gene. It is expected to result in an absent or disrupted protein product. Loss-of-function variants in CACNA1S are known to be pathogenic (PMID: 26247046, 28012042). This variant is not present in population databases (gnomAD no frequency). This variant has not been reported in the literature in individuals affected with CACNA1S-related conditions. For these reasons, this variant has been classified as Pathogenic.

Literature cited by the submitters: PubMed 26247046; PubMed 28012042.